The following is an entry in ClinVar:

NM_000342.4(SLC4A1):c.876+5G>A

Gene: SLC4A1 (solute carrier family 4 member 1 (Diego blood group); minus strand). Cytogenetic location: 17q21.31.
Variant type: single nucleotide variant.
Coding change: c.876+5G>A on transcript NM_000342.4 (MANE Select); 5 bases into the intron after coding-DNA position 876, G replaced by A.
Molecular consequence: intron variant.
Genome position (GRCh38, 1-based): chr17:44,259,158, C>T on the plus strand (G>A on the coding strand, the complement: SLC4A1 is on the minus strand). VCF-style: chr17-44259158-C-T. GRCh37 (hg19) VCF-style: chr17-42336526-C-T.
Identifiers: ClinVar variation 2683428 (VCV002683428.2), dbSNP rs201191298, ClinGen allele CA8600447.

ClinVar aggregate classification (germline): Uncertain significance. Review status: criteria provided, multiple submitters, no conflicts (2 of 4 stars). 2 submissions from 2 submitters: Uncertain significance (2). Last evaluated 2024-11-19.

gnomAD v4.1: 53 of 1,613,812 alleles (0.0033%); highest among the groups gnomAD compares: Non-Finnish European, 0.0044%; no homozygotes.

Submissions (2):

Women's Health and Genetics/Laboratory Corporation of America, LabCorp
Classification: Uncertain significance. Last evaluated: 2024-11-19. Review status: criteria provided, single submitter. Criteria: LabCorp Variant Classification Summary - May 2015. Collection method: clinical testing. Allele origin: germline.
Comment: Variant summary: SLC4A1 c.876+5G>A alters a nucleotide located close to a canonical splice site and therefore could affect mRNA splicing, leading to a significantly altered protein sequence. Several computational tools predict a significant impact on normal splicing: One predict the variant abolishes a 5' splicing donor site. Three predict the variant weakens a 5' donor site. However, these predictions have yet to be confirmed by functional studies. The variant allele was found at a frequency of 4e-06 in 248760 control chromosomes. The available data on variant occurrences in the general population are insufficient to allow any conclusion about variant significance. To our knowledge, no occurrence of c.876+5G>A in individuals affected with SLC4A1-Related Disorders and no experimental evidence demonstrating its impact on protein function have been reported. ClinVar contains an entry for this variant (Variation ID: 2683428). Based on the evidence outlined above, the variant was classified as uncertain significance.

Mayo Clinic Laboratories, Mayo Clinic
Classification: Uncertain significance. Last evaluated: 2023-01-17. Review status: criteria provided, single submitter. Criteria: ACMG Guidelines, 2015. Collection method: clinical testing. Allele origin: germline. Observed: 1 variant allele.
Comment: PM2